The following is an entry in ClinVar:

ClinVar aggregate classification (germline): Uncertain significance (1 of 4 stars; one submission).

Conditions:
Inborn genetic diseases. Identifiers: MedGen C0950123, MeSH D030342.

Submission:

Ambry Genetics
Classification: Uncertain significance for Inborn genetic diseases. Last evaluated: 2024-06-16. Review status: criteria provided, single submitter. Criteria: Ambry Variant Classification Scheme 2023. Collection method: clinical testing. Allele origin: germline.
Comment: The p.I2368V variant (also known as c.7102A>G), located in coding exon 42 of the ATR gene, results from an A to G substitution at nucleotide position 7102. The isoleucine at codon 2368 is replaced by valine, an amino acid with highly similar properties. This amino acid position is conserved. In addition, the in silico prediction for this alteration is inconclusive. Based on the available evidence, the clinical significance of this variant remains unclear.

NM_001184.4(ATR):c.7102A>G (p.Ile2368Val)

Gene: ATR (ATR serine/threonine kinase; minus strand). Cytogenetic location: 3q23.
Variant type: single nucleotide variant.
Coding change: c.7102A>G on transcript NM_001184.4 (MANE Select); coding-DNA position 7102, A replaced by G.
Protein change: p.Ile2368Val; replaces isoleucine 2368 with valine.
Molecular consequence: missense variant.
Genome position (GRCh38, 1-based): chr3:142,462,030, T>C on the plus strand (A>G on the coding strand, the complement: ATR is on the minus strand). VCF-style: chr3-142462030-T-C. GRCh37 (hg19) VCF-style: chr3-142180872-T-C.
Other names: c.6910A>G, p.Ile2304Val (NM_001354579.2); short protein forms I2368V, I2304V.
Identifiers: ClinVar variation 3332179 (VCV003332179.1).